The following is an entry in ClinVar:

NM_001037.5(SCN1B):c.*401G>A

Gene: SCN1B (sodium voltage-gated channel beta subunit 1; plus strand). Cytogenetic location: 19q13.11.
Variant type: single nucleotide variant.
Coding change: c.*401G>A on transcript NM_001037.5 (MANE Select); 401 bases downstream of the stop codon, G replaced by A.
Molecular consequence: 3 prime UTR variant.
Genome position (GRCh38, 1-based): chr19:35,040,192, G>A. VCF-style: chr19-35040192-G-A. GRCh37 (hg19) VCF-style: chr19-35531096-G-A.
Other names: c.*401G>A (NM_001321605.2).
Identifiers: ClinVar variation 889377 (VCV000889377.5), dbSNP rs72550268, ClinGen allele CA307708274.

ClinVar aggregate classification (germline): Benign/Likely benign. Review status: criteria provided, multiple submitters, no conflicts (2 of 4 stars). 3 submissions from 2 submitters: Benign (2); Likely benign (1). Last evaluated 2021-05-22.

Conditions:
Brugada syndrome 5 (BRGDA5). Identifiers: Orphanet 130, Orphanet 871, MedGen C2748541, MONDO:0013015, OMIM 612838.
Generalized epilepsy with febrile seizures plus, type 1 (GEFSP1). Also called: GEFS+, TYPE 1. Identifiers: Orphanet 36387, MedGen C1858672, MONDO:0011416, OMIM 604233.

Allele frequency attached by ClinVar (database versions not stated): gnomAD 0.00514 and 0.00671; TOPMed 0.00577; gnomAD exomes 0.00762; 1000 Genomes Project 0.01957.
gnomAD v4.1: 1,234 of 180,396 alleles (0.68%); highest among the groups gnomAD compares: South Asian, 5.2%; 33 homozygotes.

Submissions (3):

GeneDx
Classification: Likely benign. Last evaluated: 2021-05-22. Review status: criteria provided, single submitter. Criteria: GeneDx Variant Classification Process June 2021. Collection method: clinical testing. Allele origin: germline. Affected: yes.

Illumina Laboratory Services, Illumina
Classification: Benign for Generalized epilepsy with febrile seizures plus, type 1. Last evaluated: 2018-01-13. Review status: criteria provided, single submitter. Criteria: ICSL Variant Classification Criteria 13 December 2019. Collection method: clinical testing. Allele origin: germline.
Comment: This variant was observed in the ICSL laboratory as part of a predisposition screen in an ostensibly healthy population. It had not been previously curated by ICSL or reported in the Human Gene Mutation Database (HGMD: prior to June 1st, 2018), and was therefore a candidate for classification through an automated scoring system. Utilizing variant allele frequency, disease prevalence and penetrance estimates, and inheritance mode, an automated score was calculated to assess if this variant is too frequent to cause the disease. Based on the score and internal cut-off values, a variant classified as benign is not then subjected to further curation. The score for this variant resulted in a classification of benign for this disease.

Illumina Laboratory Services, Illumina
Classification: Benign for Brugada syndrome 5. Last evaluated: 2018-01-13. Review status: criteria provided, single submitter. Criteria: ICSL Variant Classification Criteria 13 December 2019. Collection method: clinical testing. Allele origin: germline.
Comment: the same text as in the submission from Illumina Laboratory Services, Illumina above.